The following is an entry in ClinVar:

NM_020975.6(RET):c.172G>A (p.Asp58Asn)

Gene: RET (ret proto-oncogene; plus strand). Cytogenetic location: 10q11.21.
Variant type: single nucleotide variant.
Coding change: c.172G>A on transcript NM_020975.6 (MANE Select); coding-DNA position 172, G replaced by A.
Protein change: p.Asp58Asn; replaces aspartic acid 58 with asparagine.
Molecular consequence: missense variant.
Genome position (GRCh38, 1-based): chr10:43,100,557, G>A. VCF-style: chr10-43100557-G-A. GRCh37 (hg19) VCF-style: chr10-43596005-G-A.
Other names: c.172G>A, p.Asp58Asn (NM_000323.2, NM_001406743.1, NM_001406744.1 and 34 more transcripts); short protein forms D58N.
Identifiers: ClinVar variation 1059977 (VCV001059977.11), dbSNP rs1321002969, ClinGen allele CA376770239.

ClinVar aggregate classification (germline): Uncertain significance. Review status: criteria provided, multiple submitters, no conflicts (2 of 4 stars). 2 submissions from 2 submitters: Uncertain significance (2). Last evaluated 2024-12-11.

Conditions:
Hereditary cancer-predisposing syndrome. Also called: Neoplastic Syndromes, Hereditary; Hereditary Cancer Syndrome; Hereditary neoplastic syndrome; Tumor predisposition. Identifiers: Orphanet 140162, MedGen C0027672, MeSH D009386, MONDO:0015356.
Multiple endocrine neoplasia, type 2 (MEN2). Identifiers: Orphanet 653, MedGen C4048306, MONDO:0019003. Disease mechanism: gain of function.

Submissions (2):

Ambry Genetics
Classification: Uncertain significance for Hereditary cancer-predisposing syndrome. Last evaluated: 2024-12-11. Review status: criteria provided, single submitter. Criteria: Ambry Variant Classification Scheme 2023. Collection method: clinical testing. Allele origin: germline.
Comment: The p.D58N variant (also known as c.172G>A), located in coding exon 2 of the RET gene, results from a G to A substitution at nucleotide position 172. The aspartic acid at codon 58 is replaced by asparagine, an amino acid with highly similar properties. This amino acid position is highly conserved in available vertebrate species. In addition, this alteration is predicted to be tolerated by in silico analysis. Based on the available evidence, the clinical significance of this variant remains unclear.

Labcorp Genetics (formerly Invitae), Labcorp
Classification: Uncertain significance for Multiple endocrine neoplasia, type 2. Last evaluated: 2020-09-26. Review status: criteria provided, single submitter. Criteria: Invitae Variant Classification Sherloc (09022015). Collection method: clinical testing. Allele origin: germline.
Comment: This variant has not been reported in the literature in individuals with RET-related conditions. This variant is not present in population databases (ExAC no frequency). This sequence change replaces aspartic acid with asparagine at codon 58 of the RET protein (p.Asp58Asn). The aspartic acid residue is moderately conserved and there is a small physicochemical difference between aspartic acid and asparagine. In summary, the available evidence is currently insufficient to determine the role of this variant in disease. Therefore, it has been classified as a Variant of Uncertain Significance. Algorithms developed to predict the effect of missense changes on protein structure and function are either unavailable or do not agree on the potential impact of this missense change (SIFT: "Tolerated"; PolyPhen-2: "Probably Damaging"; Align-GVGD: "Class C0").